The following is an entry in ClinVar:

ClinVar aggregate classification (germline): Uncertain significance. Review status: criteria provided, multiple submitters, no conflicts (2 of 4 stars). 2 submissions from 2 submitters: Uncertain significance (2). Last evaluated 2023-11-09.

Conditions:
Inborn genetic diseases. Identifiers: MedGen C0950123, MeSH D030342.

Allele frequency attached by ClinVar (database versions not stated): TOPMed below 0.00001.

Submissions (2):

Blueprint Genetics
Classification: Uncertain significance. Last evaluated: 2023-11-09. Review status: criteria provided, single submitter. Criteria: ACMG Guidelines, 2015. Collection method: clinical testing. Allele origin: germline.

Ambry Genetics
Classification: Uncertain significance for Inborn genetic diseases. Last evaluated: 2017-09-08. Review status: criteria provided, single submitter. Criteria: Ambry Variant Classification Scheme 2023. Collection method: clinical testing. Allele origin: germline.
Comment: The p.E233K variant (also known as c.697G>A), located in coding exon 9 of the STX1B gene, results from a G to A substitution at nucleotide position 697. The glutamic acid at codon 233 is replaced by lysine, an amino acid with similar properties. This amino acid position is highly conserved in available vertebrate species. In addition, this alteration is predicted to be deleterious by in silico analysis. Since supporting evidence is limited at this time, the clinical significance of this alteration remains unclear.

NM_052874.5(STX1B):c.697G>A (p.Glu233Lys)

Gene: STX1B (syntaxin 1B; minus strand). Cytogenetic location: 16p11.2.
Variant type: single nucleotide variant.
Coding change: c.697G>A on transcript NM_052874.5 (MANE Select); coding-DNA position 697, G replaced by A.
Protein change: p.Glu233Lys; replaces glutamic acid 233 with lysine.
Molecular consequence: missense variant.
Genome position (GRCh38, 1-based): chr16:30,993,219, C>T on the plus strand (G>A on the coding strand, the complement: STX1B is on the minus strand). VCF-style: chr16-30993219-C-T. GRCh37 (hg19) VCF-style: chr16-31004540-C-T.
Other names: short protein forms E233K.
Identifiers: ClinVar variation 1756420 (VCV001756420.3), dbSNP rs2056572922, ClinGen allele CA395646920.